The following is an entry in ClinVar:

ClinVar aggregate classification (germline): Pathogenic. Review status: criteria provided, multiple submitters, no conflicts (2 of 4 stars). 2 submissions from 2 submitters: Pathogenic (2). Last evaluated 2021-09-23.

Conditions:
PTCH1-related disorder. Also called: PTCH1-related disorders; PTCH1-related condition.
Gorlin syndrome. Also called: Nevoid Basal Cell Carcinoma Syndrome; Basal cell nevus syndrome. Identifiers: Orphanet 377, MedGen C0004779, MONDO:0007187.

Submissions (2):

Blueprint Genetics
Classification: Pathogenic for PTCH1-related disorders. Last evaluated: 2021-09-23. Review status: criteria provided, single submitter. Criteria: ACMG Guidelines, 2015. Collection method: clinical testing. Allele origin: germline. Affected: yes. Observed: 1 variant allele.

Labcorp Genetics (formerly Invitae), Labcorp
Classification: Pathogenic for Gorlin syndrome. Last evaluated: 2021-07-22. Review status: criteria provided, single submitter. Criteria: Invitae Variant Classification Sherloc (09022015). Collection method: clinical testing. Allele origin: germline.
Comment: Algorithms developed to predict the effect of missense changes on protein structure and function are either unavailable or do not agree on the potential impact of this missense change (SIFT: "Deleterious"; PolyPhen-2: "Probably Damaging"; Align-GVGD: "Class C0"). This missense change has been observed in individual(s) with basal cell nevus syndrome (PMID: 24369017, 22844361, 30754660, 16508594, Invitae). It has also been observed to segregate with disease in related individuals. This variant is not present in population databases (ExAC no frequency). This sequence change replaces glycine with arginine at codon 1093 of the PTCH1 protein (p.Gly1093Arg). The glycine residue is highly conserved and there is a moderate physicochemical difference between glycine and arginine. Algorithms developed to predict the effect of sequence changes on RNA splicing suggest that this variant may create or strengthen a splice site, but this prediction has not been confirmed by published transcriptional studies. For these reasons, this variant has been classified as Pathogenic.

Literature cited by the submitters: PubMed 24369017 (cited by Labcorp Genetics (formerly Invitae), Labcorp); PubMed 22844361 (cited by Labcorp Genetics (formerly Invitae), Labcorp); PubMed 30754660 (cited by Labcorp Genetics (formerly Invitae), Labcorp); PubMed 16508594 (cited by Labcorp Genetics (formerly Invitae), Labcorp).

NM_000264.5(PTCH1):c.3277G>A (p.Gly1093Arg)

Gene: PTCH1 (patched 1; minus strand). Cytogenetic location: 9q22.32.
Variant type: single nucleotide variant.
Coding change: c.3277G>A on transcript NM_000264.5 (MANE Select); coding-DNA position 3277, G replaced by A.
Protein change: p.Gly1093Arg; replaces glycine 1093 with arginine.
Molecular consequence: missense variant. On other transcripts: non-coding transcript variant (1).
Genome position (GRCh38, 1-based): chr9:95,456,305, C>T on the plus strand (G>A on the coding strand, the complement: PTCH1 is on the minus strand). VCF-style: chr9-95456305-C-T. GRCh37 (hg19) VCF-style: chr9-98218587-C-T.
Other names: c.3079G>A, p.Gly1027Arg (NM_001083602.3); c.3274G>A, p.Gly1092Arg (NM_001083603.3); c.2824G>A, p.Gly942Arg (NM_001083604.3, NM_001083605.3, NM_001083606.3 and 1 more transcripts); c.3121G>A, p.Gly1041Arg (NM_001354918.2); short protein forms G1027R, G1041R, G1092R, G1093R, G942R.
Identifiers: ClinVar variation 1074456 (VCV001074456.10), dbSNP rs2136647822, ClinGen allele CA374112013.